The following is an entry in ClinVar:

ClinVar aggregate classification (germline): Uncertain significance (1 of 4 stars; one submission).

Submission:

GeneDx
Classification: Uncertain significance. Last evaluated: 2024-03-22. Review status: criteria provided, single submitter. Criteria: GeneDx Variant Classification Process June 2021. Collection method: clinical testing. Allele origin: germline. Affected: yes.
Comment: In silico analysis supports that this missense variant has a deleterious effect on protein structure/function; Not observed at significant frequency in large population cohorts (gnomAD); Has not been previously published as pathogenic or benign to our knowledge

NM_181523.3(PIK3R1):c.980C>T (p.Ser327Phe)

Gene: PIK3R1 (phosphoinositide-3-kinase regulatory subunit 1; plus strand). Cytogenetic location: 5q13.1.
Variant type: single nucleotide variant.
Coding change: c.980C>T on transcript NM_181523.3 (MANE Select); coding-DNA position 980, C replaced by T.
Protein change: p.Ser327Phe; replaces serine 327 with phenylalanine.
Molecular consequence: missense variant.
Genome position (GRCh38, 1-based): chr5:68,292,322, C>T. VCF-style: chr5-68292322-C-T. GRCh37 (hg19) VCF-style: chr5-67588150-C-T.
Other names: c.170C>T, p.Ser57Phe (NM_181504.4); c.80C>T, p.Ser27Phe (NM_181524.2); short protein forms S27F, S327F, S57F.
Identifiers: ClinVar variation 3371139 (VCV003371139.1).